The following is an entry in ClinVar:

ClinVar aggregate classification (germline): Conflicting classifications of pathogenicity. Review status: criteria provided, conflicting classifications (1 of 4 stars). 2 submissions from 2 submitters: Likely pathogenic (1); Uncertain significance (1). Last evaluated 2022-06-09.

Conditions:
Cataract 13 with adult I phenotype. Identifiers: Orphanet 91492, MedGen C3805373, MONDO:0007289, OMIM 116700.

Allele frequency attached by ClinVar (database versions not stated): TOPMed 0.00002; ExAC 0.00003; gnomAD 0.00003 and 0.00002.
gnomAD v4.1: 44 of 1,599,896 alleles (0.0028%); highest among the groups gnomAD compares: Non-Finnish European, 0.0035%; no homozygotes.

Submissions (2):

Labcorp Genetics (formerly Invitae), Labcorp
Classification: Likely pathogenic for Cataract 13 with adult I phenotype. Last evaluated: 2022-06-09. Review status: criteria provided, single submitter. Criteria: Invitae Variant Classification Sherloc (09022015). Collection method: clinical testing. Allele origin: germline.
Comment: This sequence change replaces glycine, which is neutral and non-polar, with serine, which is neutral and polar, at codon 338 of the GCNT2 protein (p.Gly338Ser). This variant also falls at the last nucleotide of exon 2, which is part of the consensus splice site for this exon. In summary, the currently available evidence indicates that the variant is pathogenic, but additional data are needed to prove that conclusively. Therefore, this variant has been classified as Likely Pathogenic. Variants that disrupt the consensus splice site are a relatively common cause of aberrant splicing (PMID: 17576681, 9536098). Algorithms developed to predict the effect of sequence changes on RNA splicing suggest that this variant may disrupt the consensus splice site. Algorithms developed to predict the effect of missense changes on protein structure and function are either unavailable or do not agree on the potential impact of this missense change (SIFT: "Deleterious"; PolyPhen-2: "Probably Damaging"; Align-GVGD: "Class C0"). ClinVar contains an entry for this variant (Variation ID: 391563). This missense change has been observed in individual(s) with congenital cataracts (Invitae). In at least one individual the data is consistent with being in trans (on the opposite chromosome) from a pathogenic variant. This variant is present in population databases (rs568547927, gnomAD 0.008%).

GeneDx
Classification: Uncertain significance. Last evaluated: 2018-03-12. Review status: criteria provided, single submitter. Criteria: GeneDx Variant Classification (06012015). Collection method: clinical testing. Allele origin: germline. Affected: yes.
Comment: The G338S variant in the GCNT2 gene has not been reported previously as a pathogenic variant, nor as a benign variant, to our knowledge. The G338S variant was not observed in approximately 6,500 individuals of European and African American ancestry in the NHLBI Exome Sequencing Project, indicating it is not a common benign variant in these populations. The G338S variant is a non-conservative amino acid substitution, which is likely to impact secondary protein structure as these residues differ in polarity, charge, size and/or other properties. This substitution occurs at a position that is conserved across species. In silico analysis predicts this variant is probably damaging to the protein structure/function. As an alternate mechanism, multiple in silico algorithms predict that c.1012G>A (aka G338S) might destroy the natural splice donor site in intron 2, and may cause abnormal gene splicing. However, in the absence of RNA/functional studies, the actual effect of c.1012G>A in this individual is unknown. We interpret G338S as a variant of uncertain significance.

Literature cited by the submitters: PubMed 17576681 (cited by Labcorp Genetics (formerly Invitae), Labcorp); PubMed 9536098 (cited by Labcorp Genetics (formerly Invitae), Labcorp).

NM_145649.5(GCNT2):c.1018G>A (p.Gly340Ser)

Gene: GCNT2 (glucosaminyl (N-acetyl) transferase 2 (I blood group); plus strand). Cytogenetic location: 6p24.2.
Variant type: single nucleotide variant.
Coding change: c.1018G>A on transcript NM_145649.5 (MANE Select); coding-DNA position 1018, G replaced by A.
Protein change: p.Gly340Ser; replaces glycine 340 with serine.
Molecular consequence: missense variant.
Genome position (GRCh38, 1-based): chr6:10,621,443, G>A. VCF-style: chr6-10621443-G-A. GRCh37 (hg19) VCF-style: chr6-10621676-G-A.
Other names: c.1018G>A, p.Gly340Ser (NM_001374747.1, NM_145655.4); c.1012G>A, p.Gly338Ser (NM_001491.3); short protein forms G338S, G340S.
Identifiers: ClinVar variation 391563 (VCV000391563.6), dbSNP rs568547927, ClinGen allele CA3632357.
Genomic context (GRCh38, chr6:10,621,443, plus strand): 5'-ACTGGAAACCTCAGAGCTATAAAGTGGAGTGACATGGAAGACAGACACGGAGGCTGCCAC[G>A]GTGAGGCTCTCGTTCCATGCTTCTAGGCCACTGCCTGTTGGTGTTAGCAGGAAGGTAGCT-3'
Protein context (NP_663624.1, residues 330-350): DMEDRHGGCH[Gly340Ser]HYVHGICIYG